The following is an entry in ClinVar:

NM_000341.4(SLC3A1):c.988C>T (p.Gln330Ter)

Gene: SLC3A1 (solute carrier family 3 member 1; plus strand). Cytogenetic location: 2p21.
Variant type: single nucleotide variant.
Coding change: c.988C>T on transcript NM_000341.4 (MANE Select); coding-DNA position 988, C replaced by T.
Protein change: p.Gln330Ter; replaces glutamine 330 with a stop codon.
Molecular consequence: nonsense.
Genome position (GRCh38, 1-based): chr2:44,300,067, C>T. VCF-style: chr2-44300067-C-T. GRCh37 (hg19) VCF-style: chr2-44527206-C-T.
Other names: short protein forms Q330*.
Identifiers: ClinVar variation 4763038 (VCV004763038.1).

ClinVar aggregate classification (germline): Pathogenic (1 of 4 stars; one submission).

Conditions:
Cystinuria (CSNU). Also called: Cystinuria, non-type I; CYSTINURIA, TYPE I; CYSTINURIA, TYPE II; CYSTINURIA, TYPE III. Identifiers: Orphanet 214, MedGen C0010691, MONDO:0009067, OMIM 220100, HP:0003131.

gnomAD v4.1: 1 of 1,613,872 alleles (0.000062%); no homozygotes.

Submission:

Labcorp Genetics (formerly Invitae), Labcorp
Classification: Pathogenic for Cystinuria. Last evaluated: 2025-10-03. Review status: criteria provided, single submitter. Criteria: Invitae Variant Classification Sherloc (09022015). Collection method: clinical testing. Allele origin: germline.
Comment: This sequence change creates a premature translational stop signal (p.Gln330*) in the SLC3A1 gene. It is expected to result in an absent or disrupted protein product. Loss-of-function variants in SLC3A1 are known to be pathogenic (PMID: 24610330, 25109415, 25964309). This variant is not present in population databases (gnomAD no frequency). This variant has not been reported in the literature in individuals affected with SLC3A1-related conditions. For these reasons, this variant has been classified as Pathogenic.

Literature cited by the submitters: PubMed 24610330; PubMed 25109415; PubMed 25964309.